The following is an entry in ClinVar:

ClinVar aggregate classification (germline): Uncertain significance. Review status: criteria provided, multiple submitters, no conflicts (2 of 4 stars). 2 submissions from 2 submitters: Uncertain significance (2). Last evaluated 2025-04-27.

Conditions:
Inborn genetic diseases. Identifiers: MedGen C0950123, MeSH D030342.

gnomAD v4.1: 1 of 1,613,290 alleles (0.000062%); highest among the groups gnomAD compares: Non-Finnish European, 0.000085%; no homozygotes.

Submissions (2):

Labcorp Genetics (formerly Invitae), Labcorp
Classification: Uncertain significance. Last evaluated: 2025-04-27. Review status: criteria provided, single submitter. Criteria: Invitae Variant Classification Sherloc (09022015). Collection method: clinical testing. Allele origin: germline.
Comment: This sequence change replaces glycine, which is neutral and non-polar, with serine, which is neutral and polar, at codon 754 of the COL11A1 protein (p.Gly754Ser). This variant is present in population databases (no rsID available, gnomAD no frequency). This variant has not been reported in the literature in individuals affected with COL11A1-related conditions. ClinVar contains an entry for this variant (Variation ID: 2117977). Invitae Evidence Modeling of protein sequence and biophysical properties (such as structural, functional, and spatial information, amino acid conservation, physicochemical variation, residue mobility, and thermodynamic stability) indicates that this missense variant is expected to disrupt COL11A1 protein function with a positive predictive value of 80%. In summary, the available evidence is currently insufficient to determine the role of this variant in disease. Therefore, it has been classified as a Variant of Uncertain Significance.

Ambry Genetics
Classification: Uncertain significance for Inborn genetic diseases. Last evaluated: 2023-06-23. Review status: criteria provided, single submitter. Criteria: Ambry Variant Classification Scheme 2023. Collection method: clinical testing. Allele origin: germline.

NM_001854.4(COL11A1):c.2260G>A (p.Gly754Ser)

Gene: COL11A1 (collagen type XI alpha 1 chain; minus strand). Cytogenetic location: 1p21.1.
Variant type: single nucleotide variant.
Coding change: c.2260G>A on transcript NM_001854.4 (MANE Select); coding-DNA position 2260, G replaced by A.
Protein change: p.Gly754Ser; replaces glycine 754 with serine.
Molecular consequence: missense variant. On other transcripts: non-coding transcript variant (1).
Genome position (GRCh38, 1-based): chr1:102,996,024, C>T on the plus strand (G>A on the coding strand, the complement: COL11A1 is on the minus strand). VCF-style: chr1-102996024-C-T. GRCh37 (hg19) VCF-style: chr1-103461580-C-T.
Other names: c.2260G>A (NM_001854.3); c.1912G>A, p.Gly638Ser (NM_001168249.1, NM_080630.4); c.2143G>A, p.Gly715Ser (NM_001190709.2); c.2296G>A, p.Gly766Ser (NM_080629.3); short protein forms G638S, G754S, G715S, G766S.
Identifiers: ClinVar variation 2117977 (VCV002117977.6), dbSNP rs1242196023, ClinGen allele CA341169070.
Genomic context (GRCh38, chr1:102,996,024, plus strand): 5'-TAATGTGAAAACAATTTAACGTTACCTTTACTCCCCGGGGGCCCGGGTATCCAATAGGAC[C>T]TTGTGGACCAGGGGGACCCTGAAATAGATGAATTACCACTTATACGTGTAATAAATTGAA-3'
Protein context (NP_001845.3, residues 744-764): KGALGPPGPQ[Gly754Ser]PIGYPGPRGV